The following is an entry in ClinVar:

ClinVar aggregate classification (germline): Benign/Likely benign. Review status: criteria provided, multiple submitters, no conflicts (2 of 4 stars). 4 submissions from 3 submitters: Benign (2); Likely benign (2). Last evaluated 2024-05-01.

Conditions:
Leukodystrophy, hypomyelinating, 6. Also called: Hypomyelination with Atrophy of Basal Ganglia and Cerebellum (H-ABC); LEUKODYSTROPHY, HYPOMYELINATING, WITH ATROPHY OF THE BASAL GANGLIA AND CEREBELLUM; TUBB4A-Associated Leukodystrophy. Identifiers: Orphanet 139441, MedGen C2676244, MONDO:0012905, OMIM 612438.
Torsion dystonia 4. Also called: DYT-TUBB4A (Autosomal Dominant Torsion Dystonia); DYSTONIA MUSCULORUM DEFORMANS 4. Identifiers: Orphanet 98805, MedGen C1851943, MONDO:0007493, OMIM 128101.

Allele frequency attached by ClinVar (database versions not stated): TOPMed 0.00005; gnomAD 0.00006 and 0.00011; ExAC 0.00008; 1000 Genomes Project 30x 0.00016; 1000 Genomes Project 0.00020.
gnomAD v4.1: 245 of 1,614,156 alleles (0.015%); highest among the groups gnomAD compares: East Asian, 0.52%; 4 homozygotes.

Submissions (4):

CeGaT Center for Human Genetics Tuebingen
Classification: Likely benign. Last evaluated: 2024-05-01. Review status: criteria provided, single submitter. Criteria: CeGaT Center For Human Genetics Tuebingen Variant Classification Criteria Version 2. Collection method: clinical testing. Allele origin: germline. Affected: yes. Observed: 1 variant allele.
Comment: TUBB4A: BP4, BP7

Blueprint Genetics
Classification: Likely benign. Last evaluated: 2022-03-10. Review status: criteria provided, single submitter. Criteria: ACMG Guidelines, 2015. Collection method: clinical testing. Allele origin: germline.

Illumina Laboratory Services, Illumina
Classification: Benign for Leukodystrophy, hypomyelinating, 6. Last evaluated: 2018-01-13. Review status: criteria provided, single submitter. Criteria: ICSL Variant Classification Criteria 13 December 2019. Collection method: clinical testing. Allele origin: germline.
Comment: This variant was observed in the ICSL laboratory as part of a predisposition screen in an ostensibly healthy population. It had not been previously curated by ICSL or reported in the Human Gene Mutation Database (HGMD: prior to June 1st, 2018), and was therefore a candidate for classification through an automated scoring system. Utilizing variant allele frequency, disease prevalence and penetrance estimates, and inheritance mode, an automated score was calculated to assess if this variant is too frequent to cause the disease. Based on the score and internal cut-off values, a variant classified as benign is not then subjected to further curation. The score for this variant resulted in a classification of benign for this disease.

Illumina Laboratory Services, Illumina
Classification: Benign for Torsion dystonia 4. Last evaluated: 2018-01-13. Review status: criteria provided, single submitter. Criteria: ICSL Variant Classification Criteria 13 December 2019. Collection method: clinical testing. Allele origin: germline.
Comment: the same text as in the submission from Illumina Laboratory Services, Illumina above.

NM_006087.4(TUBB4A):c.435C>T (p.Ser145=)

Gene: TUBB4A (tubulin beta 4A class IVa; minus strand). Cytogenetic location: 19p13.3.
Variant type: single nucleotide variant.
Coding change: c.435C>T on transcript NM_006087.4 (MANE Select); coding-DNA position 435, C replaced by T.
Protein change: p.Ser145=; no amino-acid change (serine 145 retained).
Molecular consequence: synonymous variant.
Genome position (GRCh38, 1-based): chr19:6,496,064, G>A on the plus strand (C>T on the coding strand, the complement: TUBB4A is on the minus strand). VCF-style: chr19-6496064-G-A. GRCh37 (hg19) VCF-style: chr19-6496075-G-A.
Other names: c.588C>T, p.Ser196= (NM_001289123.2); c.570C>T, p.Ser190= (NM_001289127.2); c.435C>T, p.Ser145= (NM_001289129.2); c.219C>T, p.Ser73= (NM_001289130.2, NM_001289131.2).
Identifiers: ClinVar variation 894215 (VCV000894215.24), dbSNP rs200757174, ClinGen allele CA9127368.
Genomic context (GRCh38, chr19:6,496,064, plus strand): 5'-GTTCATGATGCGGTCTGGGAACTCCTCGCGGATCTTACTGATGAGCAGCGTGCCCATTCC[G>A]GACCCCGTGCCACCCCCCAGCGAGTGGGTCAGCTGGAAGCCCTGAAGGCAGTCGCAGCTC-3'
Protein context (NP_006078.2, residues 135-155): LTHSLGGGTG[Ser145=]GMGTLLISKI